The following is an entry in ClinVar:

NM_006662.3(SRCAP):c.6055C>A (p.Arg2019Ser)

Gene: SRCAP (Snf2 related CREBBP activator protein; plus strand). Cytogenetic location: 16p11.2.
Variant type: single nucleotide variant.
Coding change: c.6055C>A on transcript NM_006662.3 (MANE Select); coding-DNA position 6055, C replaced by A.
Protein change: p.Arg2019Ser; replaces arginine 2019 with serine.
Molecular consequence: missense variant.
Genome position (GRCh38, 1-based): chr16:30,729,500, C>A. VCF-style: chr16-30729500-C-A. GRCh37 (hg19) VCF-style: chr16-30740821-C-A.
Other names: short protein forms R2019S.
Identifiers: ClinVar variation 2090254 (VCV002090254.4), dbSNP rs762148278, ClinGen allele CA395622319.

ClinVar aggregate classification (germline): Uncertain significance (1 of 4 stars; one submission).

gnomAD v4.1: 2 of 1,614,180 alleles (0.00012%); highest among the groups gnomAD compares: Non-Finnish European, 0.000085%; no homozygotes.

Submission:

Labcorp Genetics (formerly Invitae), Labcorp
Classification: Uncertain significance. Last evaluated: 2023-01-06. Review status: criteria provided, single submitter. Criteria: Invitae Variant Classification Sherloc (09022015). Collection method: clinical testing. Allele origin: germline.
Comment: This sequence change replaces arginine, which is basic and polar, with serine, which is neutral and polar, at codon 2019 of the SRCAP protein (p.Arg2019Ser). This variant is not present in population databases (gnomAD no frequency). This variant has not been reported in the literature in individuals affected with SRCAP-related conditions. Advanced modeling of protein sequence and biophysical properties (such as structural, functional, and spatial information, amino acid conservation, physicochemical variation, residue mobility, and thermodynamic stability) performed at Invitae indicates that this missense variant is not expected to disrupt SRCAP protein function. In summary, the available evidence is currently insufficient to determine the role of this variant in disease. Therefore, it has been classified as a Variant of Uncertain Significance.